The following is an entry in ClinVar:

NM_198271.5(LMOD3):c.147C>T (p.Pro49=)

Genes: LMOD3 (leiomodin 3; minus strand), LOC126806710 (CDK7 strongly-dependent group 2 enhancer GRCh37_chr3:69170601-69171800; plus strand). Cytogenetic location: 3p14.1.
Variant type: single nucleotide variant.
Coding change: c.147C>T on transcript NM_198271.5 (MANE Select); coding-DNA position 147, C replaced by T.
Protein change: p.Pro49=; no amino-acid change (proline 49 retained).
Molecular consequence: synonymous variant.
Genome position (GRCh38, 1-based): chr3:69,122,240, G>A on the plus strand (C>T on the coding strand, the complement: LMOD3 is on the minus strand). VCF-style: chr3-69122240-G-A. GRCh37 (hg19) VCF-style: chr3-69171391-G-A.
Other names: c.147C>T, p.Pro49= (NM_001304418.3).
Identifiers: ClinVar variation 542092 (VCV000542092.15), dbSNP rs184423475, ClinGen allele CA2489064.

ClinVar aggregate classification (germline): Likely benign. Review status: criteria provided, single submitter (1 of 4 stars). 2 submissions from 2 submitters: Likely benign (1). 1 of the submissions does not count toward it. Last evaluated 2026-02-01.

Conditions:
LMOD3-related disorder. Also called: LMOD3-related condition.
Nemaline myopathy 10 (NEM10). Identifiers: MedGen C4015360, MONDO:0014513, OMIM 616165.

Allele frequency attached by ClinVar (database versions not stated): ESP Exome Variant Server 0.00017; gnomAD 0.00020 and 0.00021; 1000 Genomes Project 0.00040; TOPMed 0.00045; 1000 Genomes Project 30x 0.00047; gnomAD exomes 0.00004; ExAC 0.00006.
gnomAD v4.1: 99 of 1,613,494 alleles (0.0061%); highest among the groups gnomAD compares: Admixed American, 0.068%; 1 homozygote.

Submissions (2):

Labcorp Genetics (formerly Invitae), Labcorp
Classification: Likely benign for Nemaline myopathy 10. Last evaluated: 2026-02-01. Review status: criteria provided, single submitter. Criteria: Invitae Variant Classification Sherloc (09022015). Collection method: clinical testing. Allele origin: germline.

PreventionGenetics, part of Exact Sciences
Classification: Likely benign for LMOD3-related condition. Last evaluated: 2019-06-19. Review status: no assertion criteria provided. Collection method: clinical testing. Allele origin: germline. Not counted in ClinVar's aggregate classification.
Comment: This variant is classified as likely benign based on ACMG/AMP sequence variant interpretation guidelines (Richards et al. 2015 PMID: 25741868, with internal and published modifications).